The following is an entry in ClinVar:

NM_016373.4(WWOX):c.568G>C (p.Val190Leu)

Gene: WWOX (WW domain containing oxidoreductase; plus strand). Cytogenetic location: 16q23.1.
Variant type: single nucleotide variant.
Coding change: c.568G>C on transcript NM_016373.4 (MANE Select); coding-DNA position 568, G replaced by C.
Protein change: p.Val190Leu; replaces valine 190 with leucine.
Molecular consequence: missense variant.
Genome position (GRCh38, 1-based): chr16:78,386,911, G>C. VCF-style: chr16-78386911-G-C. GRCh37 (hg19) VCF-style: chr16-78420808-G-C.
Other names: c.229G>C, p.Val77Leu (NM_001291997.2); short protein forms V190L, V77L.
Identifiers: ClinVar variation 1989282 (VCV001989282.4), dbSNP rs769400934, ClinGen allele CA396843930.

ClinVar aggregate classification (germline): Uncertain significance (1 of 4 stars; one submission).

Conditions:
Developmental and epileptic encephalopathy, 1 (DEE1). Also called: X-linked infantile spasms; West's syndrome; Tonic spasms with clustering, arrest of psychomotor development and hypsarrhythmia on EEG; X-Linked Infantile Spasm Syndrome; OHTAHARA SYNDROME, X-LINKED; INFANTILE SPASM SYNDROME, X-LINKED 1. Identifiers: MedGen C3463992, MONDO:0010632, OMIM 308350. Disease mechanism: loss of function.
Autosomal recessive spinocerebellar ataxia 12. Also called: SPINOCEREBELLAR ATAXIA WITH MENTAL RETARDATION AND EPILEPSY. Identifiers: Orphanet 284282, MedGen C3280452, MONDO:0013687, OMIM 614322.

gnomAD v4.1: 1 of 1,614,104 alleles (0.000062%); highest among the groups gnomAD compares: Non-Finnish European, 0.000085%; no homozygotes.

Submission:

Labcorp Genetics (formerly Invitae), Labcorp
Classification: Uncertain significance for Developmental and epileptic encephalopathy, 1; Autosomal recessive spinocerebellar ataxia 12. Last evaluated: 2022-07-17. Review status: criteria provided, single submitter. Criteria: Invitae Variant Classification Sherloc (09022015). Collection method: clinical testing. Allele origin: germline.
Comment: This sequence change replaces valine, which is neutral and non-polar, with leucine, which is neutral and non-polar, at codon 190 of the WWOX protein (p.Val190Leu). This variant is not present in population databases (gnomAD no frequency). This variant has not been reported in the literature in individuals affected with WWOX-related conditions. Algorithms developed to predict the effect of missense changes on protein structure and function are either unavailable or do not agree on the potential impact of this missense change (SIFT: "Not Available"; PolyPhen-2: "Probably Damaging"; Align-GVGD: "Not Available"). In summary, the available evidence is currently insufficient to determine the role of this variant in disease. Therefore, it has been classified as a Variant of Uncertain Significance.